The following is an entry in ClinVar:

NM_000144.5(FXN):c.165+1339dup

Gene: FXN (frataxin; plus strand). Cytogenetic location: 9q21.11.
Variant type: Duplication.
Coding change: c.165+1339dup on transcript NM_000144.5 (MANE Select); 1339 bases into the intron after coding-DNA position 165, one base duplicated (A; older notation c.165+1339dupA).
Molecular consequence: intron variant.
Genome position (GRCh38, 1-based): chr9:69,037,286, A duplicated; the last of 16 consecutive A bases (chr9:69,037,271-69,037,286); duplicating any one gives the same sequence. VCF-style (leftmost placement, unchanged base first): chr9-69037270-C-CA. GRCh37 (hg19) VCF-style: chr9-71652186-C-CA.
Other names: c.165+1339dup (NM_181425.3).
Identifiers: ClinVar variation 4988378 (VCV004988378.1).

ClinVar aggregate classification (germline): Likely benign (1 of 4 stars; one submission).

Conditions:
FXN-related disorder. Also called: FXN-related condition.

Submission:

PreventionGenetics, part of Exact Sciences
Classification: Likely benign for FXN-related condition. Last evaluated: 2025-07-30. Review status: criteria provided, single submitter. Criteria: ACMG Guidelines, 2015. Collection method: clinical testing. Allele origin: germline.
Comment: This variant is classified as likely benign based on ACMG/AMP sequence variant interpretation guidelines (Richards et al. 2015 PMID: 25741868, with internal and published modifications).